The following is an entry in ClinVar:

NM_000059.4(BRCA2):c.11del (p.Gly4fs)

Gene: BRCA2 (BRCA2 DNA repair associated; plus strand). Cytogenetic location: 13q13.1.
Variant type: Deletion.
Coding change: c.11del on transcript NM_000059.4 (MANE Select); coding-DNA position 11, one base deleted (G; older notation c.11delG).
Protein change: p.Gly4fs; shifts the reading frame from glycine 4.
Molecular consequence: frameshift variant. On other transcripts: non-coding transcript variant (1), intron variant (1).
Genome position (GRCh38, 1-based): chr13:32,316,471, G deleted; the last of 2 consecutive G bases (chr13:32,316,470-32,316,471); deleting either gives the same sequence. VCF-style (leftmost placement, unchanged base first): chr13-32316469-TG-T. GRCh37 (hg19) VCF-style: chr13-32890606-TG-T.
Other names: c.11del, p.Gly4fs (NM_001406719.1, NM_001406720.1, NM_001406721.1 and 1 more transcripts); c.-303+804del (NM_001406722.1); short protein forms G4fs.
Identifiers: ClinVar variation 3482061 (VCV003482061.1).
Genomic context (GRCh38, chr13:32,316,469, plus strand): 5'-TTCTGTTTTGCAGACTTATTTACCAAGCATTGGAGGAATATCGTAGGTAAAAATGCCTAT[TG>T]GATCCAAAGAGAGGCCAACATTTTTTGAAATTTTTAAGACACGCTGCAACAAAGCAGGTA-3'

ClinVar aggregate classification (germline): Pathogenic (1 of 4 stars; one submission).

Conditions:
Hereditary cancer-predisposing syndrome. Also called: Tumor predisposition; Neoplastic Syndromes, Hereditary; Hereditary Cancer Syndrome; Hereditary neoplastic syndrome. Identifiers: Orphanet 140162, MedGen C0027672, MeSH D009386, MONDO:0015356.

Submission:

Ambry Genetics
Classification: Pathogenic for Hereditary cancer-predisposing syndrome. Last evaluated: 2024-08-30. Review status: criteria provided, single submitter. Criteria: Ambry Variant Classification Scheme 2023. Collection method: clinical testing. Allele origin: germline.
Comment: The c.11delG pathogenic mutation, located in coding exon 1 of the BRCA2 gene, results from a deletion of one nucleotide at nucleotide position 11, causing a translational frameshift with a predicted alternate stop codon (p.G4Dfs*21). This variant is considered to be rare based on population cohorts in the Genome Aggregation Database (gnomAD). This alteration is expected to result in loss of function by premature protein truncation or nonsense-mediated mRNA decay. As such, this alteration is interpreted as a disease-causing mutation.